The following is an entry in ClinVar:

NM_000297.4(PKD2):c.1907A>C (p.Gln636Pro)

Gene: PKD2 (polycystin 2, transient receptor potential cation channel; plus strand). Cytogenetic location: 4q22.1.
Variant type: single nucleotide variant.
Coding change: c.1907A>C on transcript NM_000297.4 (MANE Select); coding-DNA position 1907, A replaced by C.
Protein change: p.Gln636Pro; replaces glutamine 636 with proline.
Molecular consequence: missense variant.
Genome position (GRCh38, 1-based): chr4:88,057,991, A>C. VCF-style: chr4-88057991-A-C. GRCh37 (hg19) VCF-style: chr4-88979143-A-C.
Other names: short protein forms Q636P.
Identifiers: ClinVar variation 3356430 (VCV003356430.1).

ClinVar aggregate classification (germline): Uncertain significance (0 of 4 stars; one submission).

Conditions:
PKD2-related disorder. Also called: PKD2-related condition.

Submission:

PreventionGenetics, part of Exact Sciences
Classification: Uncertain significance for PKD2-related condition. Last evaluated: 2024-03-06. Review status: no assertion criteria provided. Collection method: clinical testing. Allele origin: germline.
Comment: The PKD2 c.1907A>C variant is predicted to result in the amino acid substitution p.Gln636Pro. To our knowledge, this variant has not been reported in the literature or in a large population database, indicating this variant is rare. Of note, a different missense change impacting the same amino acid (c.1908A>T, p.Gln636His) has been reported in an individual with polycystic kidney disease (Table S2, Yu et al. 2022. PubMed ID: 35778421). At this time, the clinical significance of the c.1907A>C (p.Gln636Pro) variant is uncertain due to the absence of conclusive functional and genetic evidence.